The following is an entry in ClinVar:

NM_018127.7(ELAC2):c.2472_2473del (p.Arg824fs)

Gene: ELAC2 (elaC ribonuclease Z 2; minus strand). Cytogenetic location: 17p12.
Variant type: Microsatellite.
Coding change: c.2472_2473del on transcript NM_018127.7 (MANE Select); coding-DNA positions 2472 to 2473, 2 bases deleted (AG; older notation c.2472_2473delAG).
Protein change: p.Arg824fs; shifts the reading frame from arginine 824.
Molecular consequence: frameshift variant.
Genome position (GRCh38, 1-based): chr17:12,992,826-12,992,827, CT deleted on the plus strand (AG on the coding strand, the reverse complement: ELAC2 is on the minus strand); deleting any 2 consecutive bases within chr17:12,992,826-12,992,829 gives the same sequence; the c. name uses the placement nearest the transcript's 3' end. VCF-style (leftmost placement, unchanged base first): chr17-12992825-GCT-G. GRCh37 (hg19) VCF-style: chr17-12896142-GCT-G.
Other names: c.2352_2353del, p.Arg784fs (NM_001165962.2); c.2469_2470del, p.Arg823fs (NM_173717.2); short protein forms R823fs, R824fs, R784fs.
Identifiers: ClinVar variation 1479896 (VCV001479896.6), dbSNP rs2143538654, ClinGen allele CA2580612852.

ClinVar aggregate classification (germline): Uncertain significance (1 of 4 stars; one submission).

Conditions:
Combined oxidative phosphorylation defect type 17. Also called: Combined oxidative phosphorylation deficiency 17. Identifiers: Orphanet 369913, MedGen C3809526, MONDO:0014190, OMIM 615440.

Submission:

Labcorp Genetics (formerly Invitae), Labcorp
Classification: Uncertain significance for Combined oxidative phosphorylation defect type 17. Last evaluated: 2022-03-08. Review status: criteria provided, single submitter. Criteria: Invitae Variant Classification Sherloc (09022015). Collection method: clinical testing. Allele origin: germline.
Comment: In summary, the available evidence is currently insufficient to determine the role of this variant in disease. Therefore, it has been classified as a Variant of Uncertain Significance. This variant has not been reported in the literature in individuals affected with ELAC2-related conditions. This variant is not present in population databases (gnomAD no frequency). This sequence change results in a frameshift in the ELAC2 gene (p.Arg824Serfs*44). While this is not anticipated to result in nonsense mediated decay, it is expected to disrupt the last 3 amino acid(s) of the ELAC2 protein and extend the protein by 40 additional amino acid residues.